The following is an entry in ClinVar:

ClinVar aggregate classification (germline): Benign (1 of 4 stars; one submission).

Conditions:
Griscelli syndrome type 2 (GS2). Also called: GRISCELLI SYNDROME WITH HEMOPHAGOCYTIC SYNDROME; PAID SYNDROME; PARTIAL ALBINISM AND IMMUNODEFICIENCY SYNDROME. Identifiers: Orphanet 381, Orphanet 79477, MedGen C1868679, MONDO:0011872, OMIM 607624.

Allele frequency attached by ClinVar (database versions not stated): gnomAD 0.01342 and 0.01444; TOPMed 0.01503; 1000 Genomes Project 0.01717; 1000 Genomes Project 30x 0.01733.

Submission:

Illumina Laboratory Services, Illumina
Classification: Benign for Griscelli syndrome type 2. Last evaluated: 2018-01-13. Review status: criteria provided, single submitter. Criteria: ICSL Variant Classification Criteria 13 December 2019. Collection method: clinical testing. Allele origin: germline.
Comment: This variant was observed in the ICSL laboratory as part of a predisposition screen in an ostensibly healthy population. It had not been previously curated by ICSL or reported in the Human Gene Mutation Database (HGMD: prior to June 1st, 2018), and was therefore a candidate for classification through an automated scoring system. Utilizing variant allele frequency, disease prevalence and penetrance estimates, and inheritance mode, an automated score was calculated to assess if this variant is too frequent to cause the disease. Based on the score and internal cut-off values, a variant classified as benign is not then subjected to further curation. The score for this variant resulted in a classification of benign for this disease.

NM_183235.3(RAB27A):c.*842G>A

Gene: RAB27A (RAB27A, member RAS oncogene family; minus strand). Cytogenetic location: 15q21.3.
Variant type: single nucleotide variant.
Coding change: c.*842G>A on transcript NM_183235.3 (MANE Select); 842 bases downstream of the stop codon, G replaced by A.
Molecular consequence: 3 prime UTR variant.
Genome position (GRCh38, 1-based): chr15:55,204,665, C>T on the plus strand (G>A on the coding strand, the complement: RAB27A is on the minus strand). VCF-style: chr15-55204665-C-T. GRCh37 (hg19) VCF-style: chr15-55496863-C-T.
Other names: c.*842G>A (NM_004580.5, NM_183234.3, NM_183236.3).
Identifiers: ClinVar variation 316637 (VCV000316637.5), dbSNP rs59982153, ClinGen allele CA10636298.